The following is an entry in ClinVar:

ClinVar aggregate classification (germline): Pathogenic/Likely pathogenic. Review status: criteria provided, multiple submitters, no conflicts (2 of 4 stars). 7 submissions from 7 submitters: Pathogenic (5); Likely pathogenic (2). Last evaluated 2025-11-22.

Conditions:
Hereditary cancer-predisposing syndrome. Also called: Hereditary Cancer Syndrome; Neoplastic Syndromes, Hereditary; Tumor predisposition; Hereditary neoplastic syndrome. Identifiers: Orphanet 140162, MedGen C0027672, MeSH D009386, MONDO:0015356.
Familial cancer of breast. Also called: BREAST CANCER, FAMILIAL; Hereditary breast cancer; hereditary breast carcinoma. Identifiers: Orphanet 227535, MedGen C0346153, MONDO:0016419, OMIM 114480. Disease mechanism: loss of function.
Hereditary breast ovarian cancer syndrome. Also called: Hereditary breast and ovarian cancer syndrome; Hereditary breast and ovarian cancer; Hereditary breast and ovarian cancer syndrome (HBOC); Breast and ovarian cancer; Hereditary breast and/or ovarian cancer syndrome; BRCA1- and BRCA2-Associated Hereditary Breast and Ovarian Cancer. Identifiers: Orphanet 145, MedGen C0677776, MeSH D061325, MONDO:0003582. Disease mechanism: loss of function.

Submissions (7):

Labcorp Genetics (formerly Invitae), Labcorp
Classification: Pathogenic for Familial cancer of breast. Last evaluated: 2025-11-22. Review status: criteria provided, single submitter. Criteria: Invitae Variant Classification Sherloc (09022015). Collection method: clinical testing. Allele origin: germline.
Comment: This sequence change creates a premature translational stop signal (p.Gln740*) in the PALB2 gene. It is expected to result in an absent or disrupted protein product. Loss-of-function variants in PALB2 are known to be pathogenic (PMID: 17200668, 17200671, 17200672, 24136930, 25099575). This variant is not present in population databases (gnomAD no frequency). This variant has not been reported in the literature in individuals affected with PALB2-related conditions. ClinVar contains an entry for this variant (Variation ID: 481035). For these reasons, this variant has been classified as Pathogenic.

Ambry Genetics
Classification: Pathogenic for Hereditary cancer-predisposing syndrome. Last evaluated: 2025-05-08. Review status: criteria provided, single submitter. Criteria: Ambry Variant Classification Scheme 2023. Collection method: clinical testing. Allele origin: germline.
Comment: The p.Q740* pathogenic mutation (also known as c.2218C>T), located in coding exon 5 of the PALB2 gene, results from a C to T substitution at nucleotide position 2218. This changes the amino acid from a glutamine to a stop codon within coding exon 5. This variant is considered to be rare based on population cohorts in the Genome Aggregation Database (gnomAD). This alteration is expected to result in loss of function by premature protein truncation or nonsense-mediated mRNA decay. As such, this alteration is interpreted as a disease-causing mutation.

Color Diagnostics, LLC DBA Color Health
Classification: Pathogenic for Hereditary cancer-predisposing syndrome. Last evaluated: 2023-12-06. Review status: criteria provided, single submitter. Criteria: ACMG Guidelines, 2015. Collection method: clinical testing. Allele origin: germline.
Comment: This variant changes 1 nucleotide in exon 5 of the PALB2 gene, creating a premature translation stop signal. This variant is expected to result in an absent or non-functional protein product. This variant has been reported in an individual affected with breast cancer (PMID: 31125277). This variant has not been identified in the general population by the Genome Aggregation Database (gnomAD). Loss of PALB2 function is a known mechanism of disease. Based on the available evidence, this variant is classified as Pathogenic.

Myriad Genetics, Inc.
Classification: Pathogenic for Familial cancer of breast. Last evaluated: 2023-09-12. Review status: criteria provided, single submitter. Criteria: Myriad Autosomal Dominant, Autosomal Recessive and X-Linked Classification Criteria (2023). Collection method: clinical testing. Allele origin: unknown.
Comment: This variant is considered pathogenic. This variant creates a termination codon and is predicted to result in premature protein truncation.

GeneDx
Classification: Pathogenic. Last evaluated: 2023-02-06. Review status: criteria provided, single submitter. Criteria: GeneDx Variant Classification Process June 2021. Collection method: clinical testing. Allele origin: germline. Affected: yes.
Comment: Nonsense variant predicted to result in protein truncation or nonsense mediated decay in a gene for which loss of function is a known mechanism of disease; Not observed at significant frequency in large population cohorts (gnomAD); This variant is associated with the following publications: (PMID: 31589614, 31125277, deFatimaMartinezGonzalez[article]2022, 35610400)

Women's Health and Genetics/Laboratory Corporation of America, LabCorp
Classification: Likely pathogenic for Hereditary breast ovarian cancer syndrome. Last evaluated: 2022-01-07. Review status: criteria provided, single submitter. Criteria: LabCorp Variant Classification Summary - May 2015. Collection method: clinical testing. Allele origin: germline.
Comment: Variant summary: PALB2 c.2218C>T (p.Gln740X) results in a premature termination codon, predicted to cause a truncation of the encoded protein or absence of the protein due to nonsense mediated decay, which are commonly known mechanisms for disease. Truncations downstream of this position have been classified as pathogenic by our laboratory. The variant was absent in 251494 control chromosomes. c.2218C>T has been reported in the literature in one individual affected with Breast Cancer. However, this individual also carries another pathogenic variant (BRCA1 c.3817C>T, p.Gln1273Ter). To our knowledge, no experimental evidence demonstrating an impact on protein function has been reported. Five clinical diagnostic laboratories have submitted clinical-significance assessments for this variant to ClinVar after 2014 without evidence for independent evaluation. All laboratories classified the variant as pathogenic/likely pathogenic. Based on the evidence outlined above, the variant was classified as likely pathogenic.

Mendelics
Classification: Likely pathogenic for Familial cancer of breast. Last evaluated: 2019-05-28. Review status: criteria provided, single submitter. Criteria: Mendelics Assertion Criteria 2017. Collection method: clinical testing. Allele origin: unknown.

Literature cited by the submitters: PubMed 17200668 (cited by Labcorp Genetics (formerly Invitae), Labcorp); PubMed 17200671 (cited by Labcorp Genetics (formerly Invitae), Labcorp); PubMed 17200672 (cited by Labcorp Genetics (formerly Invitae), Labcorp); PubMed 24136930 (cited by Labcorp Genetics (formerly Invitae), Labcorp); PubMed 25099575 (cited by Labcorp Genetics (formerly Invitae), Labcorp); PubMed 31125277 (cited by Color Diagnostics, LLC DBA Color Health and Women's Health and Genetics/Laboratory Corporation of America, LabCorp); PubMed 31589614 (cited by Women's Health and Genetics/Laboratory Corporation of America, LabCorp).

NM_024675.4(PALB2):c.2218C>T (p.Gln740Ter)

Gene: PALB2 (partner and localizer of BRCA2; minus strand). Cytogenetic location: 16p12.2.
Variant type: single nucleotide variant.
Coding change: c.2218C>T on transcript NM_024675.4 (MANE Select); coding-DNA position 2218, C replaced by T.
Protein change: p.Gln740Ter; replaces glutamine 740 with a stop codon.
Molecular consequence: nonsense.
Genome position (GRCh38, 1-based): chr16:23,629,936, G>A on the plus strand (C>T on the coding strand, the complement: PALB2 is on the minus strand). VCF-style: chr16-23629936-G-A. GRCh37 (hg19) VCF-style: chr16-23641257-G-A.
Other names: short protein forms Q740*.
Identifiers: ClinVar variation 481035 (VCV000481035.24), dbSNP rs1555460445, ClinGen allele CA395125558.
Genomic context (GRCh38, chr16:23,629,936, plus strand): 5'-GTTGGGGTGTGCAGCAAGTTCGTCCAGCAACTTCTGTAGATGCTTTTTCATAGGAGCCTT[G>A]AGGGCCAAAGGCTGGAGTAGTACCTAAGATGGGGAAAGCAGGTGAACACATGTCTGTGGT-3'